The following is an entry in ClinVar:

ClinVar aggregate classification (germline): Uncertain significance (1 of 4 stars; one submission).

Submission:

Labcorp Genetics (formerly Invitae), Labcorp
Classification: Uncertain significance. Last evaluated: 2022-10-05. Review status: criteria provided, single submitter. Criteria: Invitae Variant Classification Sherloc (09022015). Collection method: clinical testing. Allele origin: germline.
Comment: In summary, the available evidence is currently insufficient to determine the role of this variant in disease. Therefore, it has been classified as a Variant of Uncertain Significance. Algorithms developed to predict the effect of missense changes on protein structure and function are either unavailable or do not agree on the potential impact of this missense change (SIFT: "Deleterious"; PolyPhen-2: "Probably Damaging"; Align-GVGD: "Class C15"). ClinVar contains an entry for this variant (Variation ID: 1374298). This variant has not been reported in the literature in individuals affected with LRRC8A-related conditions. This variant is not present in population databases (gnomAD no frequency). This sequence change replaces phenylalanine, which is neutral and non-polar, with tyrosine, which is neutral and polar, at codon 136 of the LRRC8A protein (p.Phe136Tyr).

NM_019594.4(LRRC8A):c.407T>A (p.Phe136Tyr)

Gene: LRRC8A (leucine rich repeat containing 8 VRAC subunit A; plus strand). Cytogenetic location: 9q34.11.
Variant type: single nucleotide variant.
Coding change: c.407T>A on transcript NM_019594.4 (MANE Select); coding-DNA position 407, T replaced by A.
Protein change: p.Phe136Tyr; replaces phenylalanine 136 with tyrosine.
Molecular consequence: missense variant.
Genome position (GRCh38, 1-based): chr9:128,907,571, T>A. VCF-style: chr9-128907571-T-A. GRCh37 (hg19) VCF-style: chr9-131669850-T-A.
Other names: c.407T>A, p.Phe136Tyr (NM_001127244.2, NM_001127245.2); short protein forms F136Y.
Identifiers: ClinVar variation 1374298 (VCV001374298.6), dbSNP rs2131017977, ClinGen allele CA375074102.